The following is an entry in ClinVar:

NM_022841.7(RFX7):c.2941T>C (p.Cys981Arg)

Gene: RFX7 (regulatory factor X7; minus strand). Cytogenetic location: 15q21.3.
Variant type: single nucleotide variant.
Coding change: c.2941T>C on transcript NM_022841.7 (MANE Select); coding-DNA position 2941, T replaced by C.
Protein change: p.Cys981Arg; replaces cysteine 981 with arginine.
Molecular consequence: missense variant.
Genome position (GRCh38, 1-based): chr15:56,094,787, A>G on the plus strand (T>C on the coding strand, the complement: RFX7 is on the minus strand). VCF-style: chr15-56094787-A-G. GRCh37 (hg19) VCF-style: chr15-56386985-A-G.
Other names: c.2650T>C, p.Cys884Arg (NM_001368073.2, NM_001368074.1, NM_001370554.1); c.2941T>C, p.Cys981Arg (NM_001370561.1); short protein forms C884R, C981R.
Identifiers: ClinVar variation 4823342 (VCV004823342.4).

ClinVar aggregate classification (germline): Uncertain significance (1 of 4 stars; one submission).

Submission:

CeGaT Center for Human Genetics Tuebingen
Classification: Uncertain significance. Last evaluated: 2026-02-01. Review status: criteria provided, single submitter. Criteria: CeGaT Center For Human Genetics Tuebingen Variant Classification Criteria Version 2. Collection method: clinical testing. Allele origin: germline. Affected: yes. Observed: 1 variant allele.
Comment: RFX7: PM2